The following is an entry in ClinVar:

ClinVar aggregate classification (germline): Uncertain significance (1 of 4 stars; one submission).

Submission:

Labcorp Genetics (formerly Invitae), Labcorp
Classification: Uncertain significance. Last evaluated: 2025-12-06. Review status: criteria provided, single submitter. Criteria: Invitae Variant Classification Sherloc (09022015). Collection method: clinical testing. Allele origin: germline.
Comment: This sequence change falls in intron 2 of the KCNH1 gene. It does not directly change the encoded amino acid sequence of the KCNH1 protein. It affects a nucleotide within the consensus splice site. This variant is not present in population databases (gnomAD no frequency). This variant has not been reported in the literature in individuals affected with KCNH1-related conditions. Variants that disrupt the consensus splice site are a relatively common cause of aberrant splicing (PMID: 17576681, 9536098). Algorithms developed to predict the effect of sequence changes on RNA splicing suggest that this variant is not likely to affect RNA splicing. In summary, the available evidence is currently insufficient to determine the role of this variant in disease. Therefore, it has been classified as a Variant of Uncertain Significance.

Literature cited by the submitters: PubMed 17576681; PubMed 9536098.

NM_172362.3(KCNH1):c.203+6T>C

Gene: KCNH1 (potassium voltage-gated channel subfamily H member 1; minus strand). Cytogenetic location: 1q32.2.
Variant type: single nucleotide variant.
Coding change: c.203+6T>C on transcript NM_172362.3 (MANE Select); 6 bases into the intron after coding-DNA position 203, T replaced by C.
Molecular consequence: intron variant.
Genome position (GRCh38, 1-based): chr1:211,107,248, A>G on the plus strand (T>C on the coding strand, the complement: KCNH1 is on the minus strand). VCF-style: chr1-211107248-A-G. GRCh37 (hg19) VCF-style: chr1-211280590-A-G.
Other names: c.203+6T>C (NM_002238.4).
Identifiers: ClinVar variation 4732200 (VCV004732200.1).